The following is an entry in ClinVar:

ClinVar aggregate classification (germline): Uncertain significance. Review status: criteria provided, multiple submitters, no conflicts (2 of 4 stars). 4 submissions from 4 submitters: Uncertain significance (4). Last evaluated 2025-08-28.

Conditions:
Warts, hypogammaglobulinemia, infections, and myelokathexis. Also called: WHIM syndrome. Identifiers: MedGen C0472817, MONDO:0023880.
Inborn genetic diseases. Identifiers: MedGen C0950123, MeSH D030342.

Allele frequency attached by ClinVar (database versions not stated): gnomAD exomes below 0.00001; ExAC 0.00001; gnomAD 0.00001; 1000 Genomes Project 30x 0.00016; 1000 Genomes Project 0.00020.
gnomAD v4.1: 10 of 1,614,194 alleles (0.00062%); highest among the groups gnomAD compares: East Asian, 0.0067%; no homozygotes.

Submissions (4):

Ambry Genetics
Classification: Uncertain significance for Inborn genetic diseases. Last evaluated: 2025-08-28. Review status: criteria provided, single submitter. Criteria: Ambry Variant Classification Scheme 2023. Collection method: clinical testing. Allele origin: germline.

Labcorp Genetics (formerly Invitae), Labcorp
Classification: Uncertain significance for Warts, hypogammaglobulinemia, infections, and myelokathexis. Last evaluated: 2025-05-14. Review status: criteria provided, single submitter. Criteria: Invitae Variant Classification Sherloc (09022015). Collection method: clinical testing. Allele origin: germline.
Comment: This sequence change replaces serine, which is neutral and polar, with cysteine, which is neutral and slightly polar, at codon 46 of the CXCR4 protein (p.Ser46Cys). This variant is present in population databases (rs147467366, gnomAD 0.0009%). This variant has not been reported in the literature in individuals affected with CXCR4-related conditions. ClinVar contains an entry for this variant (Variation ID: 1337142). An algorithm developed to predict the effect of missense changes on protein structure and function (PolyPhen-2) suggests that this variant is likely to be tolerated. In summary, the available evidence is currently insufficient to determine the role of this variant in disease. Therefore, it has been classified as a Variant of Uncertain Significance.

Mayo Clinic Laboratories, Mayo Clinic
Classification: Uncertain significance. Last evaluated: 2021-12-28. Review status: criteria provided, single submitter. Criteria: ACMG Guidelines, 2015. Collection method: clinical testing. Allele origin: germline.

Genetic Services Laboratory, University of Chicago
Classification: Uncertain significance. Last evaluated: 2019-04-26. Review status: criteria provided, single submitter. Criteria: ACMG Guidelines, 2015. Collection method: clinical testing. Allele origin: germline. Affected: no.

NM_003467.3(CXCR4):c.137C>G (p.Ser46Cys)

Gene: CXCR4 (C-X-C motif chemokine receptor 4; minus strand). Cytogenetic location: 2q22.1.
Variant type: single nucleotide variant.
Coding change: c.137C>G on transcript NM_003467.3 (MANE Select); coding-DNA position 137, C replaced by G.
Protein change: p.Ser46Cys; replaces serine 46 with cysteine.
Molecular consequence: missense variant.
Genome position (GRCh38, 1-based): chr2:136,115,791, G>C on the plus strand (C>G on the coding strand, the complement: CXCR4 is on the minus strand). VCF-style: chr2-136115791-G-C. GRCh37 (hg19) VCF-style: chr2-136873361-G-C.
Other names: p.Ser46Cys; c.149C>G, p.Ser50Cys (NM_001008540.2); c.350C>G, p.Ser117Cys (NM_001348056.2); c.236C>G, p.Ser79Cys (NM_001348059.2); c.92C>G, p.Ser31Cys (NM_001348060.2); short protein forms S117C, S31C, S46C, S50C, S79C.
Identifiers: ClinVar variation 1337142 (VCV001337142.16), dbSNP rs147467366, ClinGen allele CA1890155.